The following is an entry in ClinVar:

NM_007317.3(KIF22):c.1973C>T (p.Ala658Val)

Gene: KIF22 (kinesin family member 22; plus strand). Cytogenetic location: 16p11.2.
Variant type: single nucleotide variant.
Coding change: c.1973C>T on transcript NM_007317.3 (MANE Select); coding-DNA position 1973, C replaced by T.
Protein change: p.Ala658Val; replaces alanine 658 with valine.
Molecular consequence: missense variant.
Genome position (GRCh38, 1-based): chr16:29,805,285, C>T. VCF-style: chr16-29805285-C-T. GRCh37 (hg19) VCF-style: chr16-29816606-C-T.
Other names: c.1769C>T, p.Ala590Val (NM_001256269.2, NM_001256270.1); short protein forms A590V, A658V.
Identifiers: ClinVar variation 2979698 (VCV002979698.3), dbSNP rs1471528171, ClinGen allele CA395463240.
Genomic context (GRCh38, chr16:29,805,285, plus strand): 5'-TCTCTAACGTCGCTGTCTCCCTCCCTCCTGTGTTGCAGGCAAACATCCTGGGTCTCGCCG[C>T]CGGCCAGCGCTGTGGCGCCTCCTGACCGTCGTCTCCTCACTCCGCCTTTTCAAATTTTTG-3'
Protein context (NP_015556.1, residues 648-665): FLKANILGLA[Ala658Val]GQRCGAS

ClinVar aggregate classification (germline): Uncertain significance (1 of 4 stars; one submission).

gnomAD v4.1: 2 of 1,613,896 alleles (0.00012%); highest among the groups gnomAD compares: Admixed American, 0.0033%; no homozygotes.

Submission:

Labcorp Genetics (formerly Invitae), Labcorp
Classification: Uncertain significance. Last evaluated: 2024-07-07. Review status: criteria provided, single submitter. Criteria: Invitae Variant Classification Sherloc (09022015). Collection method: clinical testing. Allele origin: germline.
Comment: This sequence change replaces alanine, which is neutral and non-polar, with valine, which is neutral and non-polar, at codon 658 of the KIF22 protein (p.Ala658Val). This variant is present in population databases (no rsID available, gnomAD 0.006%). This variant has not been reported in the literature in individuals affected with KIF22-related conditions. An algorithm developed to predict the effect of missense changes on protein structure and function (PolyPhen-2) suggests that this variant is likely to be disruptive. In summary, the available evidence is currently insufficient to determine the role of this variant in disease. Therefore, it has been classified as a Variant of Uncertain Significance.